The following is an entry in ClinVar:

NM_001166114.2(PNPLA6):c.1061C>G (p.Pro354Arg)

Gene: PNPLA6 (patatin like domain 6, lysophospholipase; plus strand). Cytogenetic location: 19p13.2.
Variant type: single nucleotide variant.
Coding change: c.1061C>G on transcript NM_001166114.2 (MANE Select); coding-DNA position 1061, C replaced by G.
Protein change: p.Pro354Arg; replaces proline 354 with arginine.
Molecular consequence: missense variant.
Genome position (GRCh38, 1-based): chr19:7,541,577, C>G. VCF-style: chr19-7541577-C-G. GRCh37 (hg19) VCF-style: chr19-7606463-C-G.
Other names: c.1088C>G, p.Pro363Arg (NM_001166111.2); c.944C>G, p.Pro315Arg (NM_001166112.2, NM_001166113.1, NM_006702.5); short protein forms P315R, P354R, P363R.
Identifiers: ClinVar variation 2001785 (VCV002001785.4), dbSNP rs1228780002, ClinGen allele CA403109287.
Genomic context (GRCh38, chr19:7,541,577, plus strand): 5'-CCCAGGAGATCCAGCCCCTGCGTCTGTTCCCCAGCCCCGGCCTCCCAACTCGCACCAGCC[C>G]TGTGCGGGGCTCCAAGAGAATGGTCAGCACCTCAGCTACAGACGAGCCCAGGGAGACCCC-3'
Protein context (NP_001159586.1, residues 344-364): PSPGLPTRTS[Pro354Arg]VRGSKRMVST

ClinVar aggregate classification (germline): Uncertain significance (1 of 4 stars; one submission).

Conditions:
Hereditary spastic paraplegia 39 (SPG39). Also called: Spastic Paraplegia Type 39 (SPG39); SPASTIC PARAPLEGIA 39, AUTOSOMAL RECESSIVE. Identifiers: Orphanet 139480, MedGen C2677586, MONDO:0012787, OMIM 612020.

Submission:

Labcorp Genetics (formerly Invitae), Labcorp
Classification: Uncertain significance for Hereditary spastic paraplegia 39. Last evaluated: 2022-07-30. Review status: criteria provided, single submitter. Criteria: Invitae Variant Classification Sherloc (09022015). Collection method: clinical testing. Allele origin: germline.
Comment: This sequence change replaces proline, which is neutral and non-polar, with arginine, which is basic and polar, at codon 315 of the PNPLA6 protein (p.Pro315Arg). This variant is not present in population databases (gnomAD no frequency). This variant has not been reported in the literature in individuals affected with PNPLA6-related conditions. Algorithms developed to predict the effect of missense changes on protein structure and function are either unavailable or do not agree on the potential impact of this missense change (SIFT: "Deleterious"; PolyPhen-2: "Possibly Damaging"; Align-GVGD: "Class C0"). In summary, the available evidence is currently insufficient to determine the role of this variant in disease. Therefore, it has been classified as a Variant of Uncertain Significance.